The following is an entry in ClinVar:

NM_000328.3(RPGR):c.2347del (p.Ser783fs)

Gene: RPGR (retinitis pigmentosa GTPase regulator; minus strand). Cytogenetic location: Xp11.4.
Variant type: Deletion.
Coding change: c.2347del on transcript NM_000328.3; coding-DNA position 2347, one base deleted (A; older notation c.2347delA).
Protein change: p.Ser783fs; shifts the reading frame from serine 783.
Molecular consequence: frameshift variant. On other transcripts: non-coding transcript variant (6).
Genome position (GRCh38, 1-based): chrX:38,269,727, T deleted on the plus strand (A on the coding strand, the reverse complement: RPGR is on the minus strand); the first of 5 consecutive T bases (chrX:38,269,727-38,269,731); deleting any one gives the same sequence. VCF-style (leftmost placement, unchanged base first): chrX-38269726-CT-C. GRCh37 (hg19) VCF-style: chrX-38128979-CT-C.
Other names: c.2344del, p.Ser782fs (NM_001367245.1); c.2161del, p.Ser721fs (NM_001367246.1); c.2014del, p.Ser672fs (NM_001367247.1); c.2044del, p.Ser682fs (NM_001367248.1); c.2011del, p.Ser671fs (NM_001367249.1, NM_001367250.1); c.1828del, p.Ser610fs (NM_001367251.1); short protein forms S610fs, S671fs, S672fs, S682fs, S721fs, S782fs, S783fs.
Identifiers: ClinVar variation 4880557 (VCV004880557.2).

ClinVar aggregate classification (germline): Likely pathogenic (1 of 4 stars; one submission).

Submission:

Dasa
Classification: Likely pathogenic. Last evaluated: 2025-09-01. Review status: criteria provided, single submitter. Criteria: DASA Assertion Criteria. Collection method: clinical testing. Allele origin: germline.
Comment: NM_000328.3(RPGR):c.2347del (p.Ser783Valfs*11) is a frameshift variant in RPGR predicted to alter the reading frame and introduce a premature termination codon and is predicted to result in an absent or altered protein product. Loss of function is an established disease mechanism for RPGR-associated disorders. Also, this variant is absent from population databases. Based on the currently available evidence, this variant is classified as likely pathogenic.